The following is an entry in ClinVar:

ClinVar aggregate classification (germline): Pathogenic. Review status: criteria provided, multiple submitters, no conflicts (2 of 4 stars). 4 submissions from 4 submitters: Pathogenic (4). Last evaluated 2024-03-14.

Conditions:
Congenital contractures of the limbs and face, hypotonia, and developmental delay (CLIFAHDD). Identifiers: Orphanet 562528, MedGen C4225398, MONDO:0014556, OMIM 616266.
Inborn genetic diseases. Identifiers: MedGen C0950123, MeSH D030342.

Allele frequency attached by ClinVar (database versions not stated): ExAC 0.00001; gnomAD 0.00001; gnomAD exomes 0.00001 and 0.00002; TOPMed 0.00002.

Submissions (4):

Genomic Medicine Center of Excellence, King Faisal Specialist Hospital and Research Centre
Classification: Pathogenic for Congenital contractures of the limbs and face, hypotonia, and developmental delay. Last evaluated: 2024-03-14. Review status: criteria provided, single submitter. Criteria: ACMG Guidelines, 2015. Collection method: research. Allele origin: germline.

Labcorp Genetics (formerly Invitae), Labcorp
Classification: Pathogenic. Last evaluated: 2024-02-05. Review status: criteria provided, single submitter. Criteria: Invitae Variant Classification Sherloc (09022015). Collection method: clinical testing. Allele origin: germline.
Comment: This sequence change creates a premature translational stop signal (p.Arg735*) in the NALCN gene. It is expected to result in an absent or disrupted protein product. Loss-of-function variants in NALCN are known to be pathogenic (PMID: 23749988, 24075186). This variant is present in population databases (rs757674263, gnomAD 0.002%). This premature translational stop signal has been observed in individual(s) with clinical features of autosomal recessive NALCN-related condition (PMID: 32618095, 32668698). ClinVar contains an entry for this variant (Variation ID: 225108). For these reasons, this variant has been classified as Pathogenic.

GeneDx
Classification: Pathogenic. Last evaluated: 2023-07-02. Review status: criteria provided, single submitter. Criteria: GeneDx Variant Classification Process June 2021. Collection method: clinical testing. Allele origin: germline. Affected: yes.
Comment: Nonsense variant predicted to result in protein truncation or nonsense mediated decay in a gene for which loss-of-function is a known mechanism of disease; Not observed at a significant frequency in large population cohorts (gnomAD); This variant is associated with the following publications: (PMID: 25356970, 26795593, 32668698, 32618095, 28330790)

Ambry Genetics
Classification: Pathogenic for Inborn genetic diseases. Last evaluated: 2014-04-17. Review status: criteria provided, single submitter. Criteria: Ambry Autosomal Dominant and X-Linked criteria (10/2015). Collection method: clinical testing. Allele origin: germline. Observed: 1 variant allele.

Literature cited by the submitters: PubMed 23749988 (cited by Labcorp Genetics (formerly Invitae), Labcorp); PubMed 24075186 (cited by Labcorp Genetics (formerly Invitae), Labcorp); PubMed 32618095 (cited by Labcorp Genetics (formerly Invitae), Labcorp); PubMed 32668698 (cited by Labcorp Genetics (formerly Invitae), Labcorp).

NM_052867.4(NALCN):c.2203C>T (p.Arg735Ter)

Gene: NALCN (sodium leak channel, non-selective; minus strand). Cytogenetic location: 13q33.1.
Variant type: single nucleotide variant.
Coding change: c.2203C>T on transcript NM_052867.4 (MANE Select); coding-DNA position 2203, C replaced by T.
Protein change: p.Arg735Ter; replaces arginine 735 with a stop codon.
Molecular consequence: nonsense.
Genome position (GRCh38, 1-based): chr13:101,111,216, G>A on the plus strand (C>T on the coding strand, the complement: NALCN is on the minus strand). VCF-style: chr13-101111216-G-A. GRCh37 (hg19) VCF-style: chr13-101763567-G-A.
Other names: c.2290C>T, p.Arg764Ter (NM_001350748.2); c.2203C>T, p.Arg735Ter (NM_001350749.2); c.2116C>T, p.Arg706Ter (NM_001350750.2, NM_001350751.2); c.2290C>T (NM_001350748.1); short protein forms R735*, R706*, R764*.
Identifiers: ClinVar variation 225108 (VCV000225108.10), dbSNP rs757674263, ClinGen allele CA358082.
Genomic context (GRCh38, chr13:101,111,216, plus strand): 5'-TGAGGATTGACCTCTCCTTTGCGGGCTGCCCCTCAAATGATCCGCTCAGCATGCGCTGTC[G>A]GGTGCAAGCTCTAGGAAAAAAAAAGGAGCCCAAGATAAATGCATGGTTTGTACACTTGAG-3'